The following is an entry in ClinVar:

NM_000642.3(AGL):c.4283A>C (p.Tyr1428Ser)

Gene: AGL (amylo-alpha-1,6-glucosidase and 4-alpha-glucanotransferase; plus strand). Cytogenetic location: 1p21.2.
Variant type: single nucleotide variant.
Coding change: c.4283A>C on transcript NM_000642.3 (MANE Select); coding-DNA position 4283, A replaced by C.
Protein change: p.Tyr1428Ser; replaces tyrosine 1428 with serine.
Molecular consequence: missense variant.
Genome position (GRCh38, 1-based): chr1:99,916,433, A>C. VCF-style: chr1-99916433-A-C. GRCh37 (hg19) VCF-style: chr1-100381989-A-C.
Other names: p.Tyr1428Ser; c.4283A>C, p.Tyr1428Ser (NM_000028.3, NM_000643.3, NM_000644.3 and 1 more transcripts); c.4235A>C, p.Tyr1412Ser (NM_000646.3); c.4262A>C, p.Tyr1421Ser (NM_001425326.1); c.4082A>C, p.Tyr1361Ser (NM_001425327.1); c.4079A>C, p.Tyr1360Ser (NM_001425328.1); c.3944A>C, p.Tyr1315Ser (NM_001425329.1); c.3905A>C, p.Tyr1302Ser (NM_001425332.1); short protein forms Y1428S, Y1412S, Y1302S, Y1315S, Y1360S, Y1361S, Y1421S.
Identifiers: ClinVar variation 424905 (VCV000424905.54), dbSNP rs150532164, ClinGen allele CA967389.
Genomic context (GRCh38, chr1:99,916,433, plus strand): 5'-CATCTTTTATTTAACTTAAATTTCAATCATTTTGCAGTGATATGGTTTACTGTGGAATTT[A>C]TGACAATGCATTAGACAATGACAACTACAATCTTGCTAAAGGTTTCAATTATCACCAAGG-3'
Protein context (NP_000633.2, residues 1418-1438): DPDDMVYCGI[Tyr1428Ser]DNALDNDNYN

ClinVar aggregate classification (germline): Uncertain significance. Review status: criteria provided, multiple submitters, no conflicts (2 of 4 stars). 8 submissions from 8 submitters: Uncertain significance (7). 1 of the submissions does not count toward it. Last evaluated 2026-01-29.

Conditions:
Inborn genetic diseases. Identifiers: MedGen C0950123, MeSH D030342.
Glycogen storage disease type III (GSD3). Also called: FORBES DISEASE; Cori disease. Identifiers: Orphanet 366, MedGen C0017922, MONDO:0009291, OMIM 232400.

Allele frequency attached by ClinVar (database versions not stated): gnomAD exomes 0.00001 and 0.00002; ExAC 0.00002; gnomAD 0.00003; TOPMed 0.00003; ESP Exome Variant Server 0.00015.
gnomAD v4.1: 34 of 1,611,730 alleles (0.0021%); highest among the groups gnomAD compares: Non-Finnish European, 0.0028%; no homozygotes.

Submissions (8):

Myriad Genetics, Inc.
Classification: Uncertain significance for Glycogen storage disease type III. Last evaluated: 2026-01-29. Review status: criteria provided, single submitter. Criteria: Myriad Autosomal Dominant, Autosomal Recessive and X-Linked Classification Criteria (2023). Collection method: clinical testing. Allele origin: unknown.
Comment: NM_000642.2(AGL):c.4283A>C(Y1428S) is a missense variant classified as a variant of uncertain significance in the context of glycogen storage disease type III. Y1428S has not been observed in cases with relevant disease. Relevant functional assessments of this variant are not available in the literature. Y1428S has been observed in referenced population frequency databases. In summary, there is insufficient evidence to classify NM_000642.2(AGL):c.4283A>C(Y1428S) as pathogenic or benign. Please note: this variant was assessed in the context of healthy population screening.

Ambry Genetics
Classification: Uncertain significance for Inborn genetic diseases. Last evaluated: 2024-10-29. Review status: criteria provided, single submitter. Criteria: Ambry Variant Classification Scheme 2023. Collection method: clinical testing. Allele origin: germline.

Labcorp Genetics (formerly Invitae), Labcorp
Classification: Uncertain significance for Glycogen storage disease type III. Last evaluated: 2024-08-19. Review status: criteria provided, single submitter. Criteria: Invitae Variant Classification Sherloc (09022015). Collection method: clinical testing. Allele origin: germline.
Comment: This sequence change replaces tyrosine, which is neutral and polar, with serine, which is neutral and polar, at codon 1428 of the AGL protein (p.Tyr1428Ser). This variant is present in population databases (rs150532164, gnomAD 0.003%). This variant has not been reported in the literature in individuals affected with AGL-related conditions. ClinVar contains an entry for this variant (Variation ID: 424905). Invitae Evidence Modeling of protein sequence and biophysical properties (such as structural, functional, and spatial information, amino acid conservation, physicochemical variation, residue mobility, and thermodynamic stability) indicates that this missense variant is expected to disrupt AGL protein function with a positive predictive value of 80%. In summary, the available evidence is currently insufficient to determine the role of this variant in disease. Therefore, it has been classified as a Variant of Uncertain Significance.

Baylor Genetics
Classification: Uncertain significance for Glycogen storage disease type III. Last evaluated: 2023-06-24. Review status: criteria provided, single submitter. Criteria: ACMG Guidelines, 2015. Collection method: clinical testing. Allele origin: unknown.

Genome-Nilou Lab
Classification: Uncertain significance for Glycogen storage disease type III. Last evaluated: 2021-07-15. Review status: criteria provided, single submitter. Criteria: ACMG Guidelines, 2015. Collection method: clinical testing. Allele origin: germline. Affected: no.

Clinical Genomics Laboratory, Stanford Medicine
Classification: Uncertain significance for Glycogen storage disease type III. Last evaluated: 2021-05-21. Review status: criteria provided, single submitter. Criteria: ACMG Guidelines, 2015. Collection method: clinical testing. Allele origin: germline. Affected: yes. Observed: 1 heterozygote.
Comment: • The p.Tyr1428Ser variant in the AGL gene has not been previously reported in association with disease. • This variant has been identified in 4/281,644 chromosomes by the Genome Aggregation Database. Although this variant has been seen in the general population, its frequency is low enough to be consistent with a recessive carrier frequency. • Computational tools predict that this variant is deleterious; however, the accuracy of in silico algorithms is limited. • These data were assessed using the ACMG/AMP variant interpretation guidelines. In summary, the significance of the p.Tyr1428Ser variant is uncertain. Additional information is needed to resolve the significance of this variant. [ACMG evidence codes used: PM2; PP3]

CeGaT Center for Human Genetics Tuebingen
Classification: Uncertain significance. Last evaluated: 2016-12-01. Review status: criteria provided, single submitter. Criteria: CeGaT Center For Human Genetics Tuebingen Variant Classification Criteria Version 2. Collection method: clinical testing. Allele origin: germline. Affected: yes. Observed: 1 variant allele.

Natera, Inc.
Classification: Uncertain significance for Glycogen storage disease type III. Last evaluated: 2020-03-04. Review status: no assertion criteria provided. Collection method: clinical testing. Allele origin: germline. Not counted in ClinVar's aggregate classification.